The following is an entry in ClinVar:

NM_006206.6(PDGFRA):c.2306A>T (p.Lys769Met)

Gene: PDGFRA (platelet derived growth factor receptor alpha; plus strand). Cytogenetic location: 4q12.
Variant type: single nucleotide variant.
Coding change: c.2306A>T on transcript NM_006206.6 (MANE Select); coding-DNA position 2306, A replaced by T.
Protein change: p.Lys769Met; replaces lysine 769 with methionine.
Molecular consequence: missense variant.
Genome position (GRCh38, 1-based): chr4:54,280,465, A>T. VCF-style: chr4-54280465-A-T. GRCh37 (hg19) VCF-style: chr4-55146632-A-T.
Other names: c.2306A>T (NM_006206.5); c.2306A>T, p.Lys769Met (NM_001347827.2, NM_001347829.2); c.2381A>T, p.Lys794Met (NM_001347828.2); c.2345A>T, p.Lys782Met (NM_001347830.2); short protein forms K769M, K782M, K794M.
Identifiers: ClinVar variation 135014 (VCV000135014.24), dbSNP rs373061721, ClinGen allele CA161402.
Genomic context (GRCh38, chr4:54,280,465, plus strand): 5'-AAGAGGTTTCTAAATATTCCGACATCCAGAGATCACTCTATGATCGTCCAGCCTCATATA[A>T]GAAGAAATCTATGTTAGGTAAAAGTGTCTATACTCACTCTGGGTGTTGGGACTTTCCAGT-3'
Protein context (NP_006197.1, residues 759-779): RSLYDRPASY[Lys769Met]KKSMLDSEVK

ClinVar aggregate classification (germline): Conflicting classifications of pathogenicity. Review status: criteria provided, conflicting classifications (1 of 4 stars). 8 submissions from 8 submitters: Uncertain significance (4); Benign (1); Likely benign (2). 1 of the submissions does not count toward it. Last evaluated 2026-01-18.

Conditions:
PDGFRA-related disorder. Also called: PDGFRA-related condition.
Polyps, multiple and recurrent inflammatory fibroid, gastrointestinal. Identifiers: MedGen C5193005, MONDO:0008285, OMIM 175510.
Idiopathic hypereosinophilic syndrome (HES). Identifiers: Orphanet 3260, MedGen C0206141, MONDO:0011895, OMIM 607685. Disease mechanism: gain of function.
Hereditary cancer. Identifiers: MedGen C1333600.
Hereditary cancer-predisposing syndrome. Also called: Neoplastic Syndromes, Hereditary; Tumor predisposition; Hereditary Cancer Syndrome; Hereditary neoplastic syndrome. Identifiers: Orphanet 140162, MedGen C0027672, MeSH D009386, MONDO:0015356.
Gastrointestinal stromal tumor. Also called: Gastrointestinal stromal tumor, somatic; Gastrointestinal stroma tumor. Identifiers: Orphanet 44890, MedGen C0238198, MeSH D046152, MONDO:0011719, OMIM 606764, HP:0100723.

Allele frequency attached by ClinVar (database versions not stated): gnomAD 0.00029 and 0.00032; TOPMed 0.00029; ESP Exome Variant Server 0.00031.
gnomAD v4.1: 76 of 1,613,396 alleles (0.0047%); highest among the groups gnomAD compares: African/African-American, 0.088%; no homozygotes.

Submissions (8):

Labcorp Genetics (formerly Invitae), Labcorp
Classification: Likely benign for Gastrointestinal stromal tumor. Last evaluated: 2026-01-18. Review status: criteria provided, single submitter. Criteria: Invitae Variant Classification Sherloc (09022015). Collection method: clinical testing. Allele origin: germline.

PreventionGenetics, part of Exact Sciences
Classification: Uncertain significance for PDGFRA-related condition. Last evaluated: 2025-09-24. Review status: criteria provided, single submitter. Criteria: ACMG Guidelines, 2015. Collection method: clinical testing. Allele origin: germline.
Comment: The PDGFRA c.2306A>T variant is predicted to result in the amino acid substitution p.Lys769Met. This variant has been reported as uncertain in an individual with early-onset renal cell carcinoma (Supplementary Table 2, Demidova et al. 2023. PubMed ID: 37095444) and has also been identified in a healthy cohort assessed for germline variation in cancer-susceptibility genes (Table S1, Bodian et al. 2014. PubMed ID: 24728327). This variant is reported in 0.092% of alleles in individuals of African descent in gnomAD and has conflicting interpretations regarding its pathogenicity in ClinVar, ranging from benign to uncertain (Variation ID: 135014﻿). Although we suspect that this variant may be benign, at this time, the clinical significance of this variant is uncertain due to the absence of conclusive functional and genetic evidence.

Mendelics
Classification: Likely benign for Hereditary cancer. Last evaluated: 2025-06-23. Review status: criteria provided, single submitter. Criteria: ACMG Guidelines, 2015. Collection method: clinical testing. Allele origin: unknown.
Comment: This variant is considered likely benign or benign based on one or more of the following: it is predicted to be benign by multiple in silico algorithms, and/or has population frequency not consistent with disease, and/or has normal protein function, and/or has lack of segregation with disease, and/or has been detected in co-occurrence with known pathogenic variant, and/or has lack of disease association in case-control studies, and/or is located in a region inconsistent with a known cause of pathogenicity.

Ambry Genetics
Classification: Benign for Hereditary cancer-predisposing syndrome. Last evaluated: 2024-10-28. Review status: criteria provided, single submitter. Criteria: Ambry Variant Classification Scheme 2023. Collection method: clinical testing. Allele origin: germline.

Fulgent Genetics
Classification: Uncertain significance for Polyps, multiple and recurrent inflammatory fibroid, gastrointestinal; Idiopathic hypereosinophilic syndrome. Last evaluated: 2024-05-29. Review status: criteria provided, single submitter. Criteria: ACMG Guidelines, 2015. Collection method: clinical testing. Allele origin: germline.

GeneDx
Classification: Uncertain significance. Last evaluated: 2024-05-17. Review status: criteria provided, single submitter. Criteria: GeneDx Variant Classification Process June 2021. Collection method: clinical testing. Allele origin: germline. Affected: yes.
Comment: In silico analysis supports that this missense variant does not alter protein structure/function; This variant is associated with the following publications: (PMID: 28422736, 24728327, 37095444)

ARUP Laboratories, Molecular Genetics and Genomics, ARUP Laboratories
Classification: Uncertain significance. Last evaluated: 2023-09-28. Review status: criteria provided, single submitter. Criteria: ARUP Molecular Germline Variant Investigation Process 2024. Collection method: clinical testing. Allele origin: germline.
Comment: The PDGFRA c.2306A>T; p.Lys769Met variant (rs373061721), to our knowledge, is not reported in the medical literature in association with gastrointestinal stromal tumors but is reported in ClinVar (Variation ID: 135014). This variant is found in the African/African-American population with an allele frequency of 0.09% (23/24962 alleles) in the Genome Aggregation Database. Computational analyses are uncertain whether this variant is neutral or deleterious (REVEL: 0.548). Due to limited information, the clinical significance of this variant is uncertain at this time.

ITMI
No classification provided. Condition: AllHighlyPenetrant. Last evaluated: 2013-09-19. Review status: no classification provided. Collection method: reference population. Allele origin: germline. Not counted in ClinVar's aggregate classification.
Comment: Please see associated publication for description of ethnicities

Literature cited by the submitters: PubMed 24728327 (cited by ITMI).